The following is an entry in ClinVar:

NM_015175.3(NBEAL2):c.5769G>A (p.Ser1923=)

Gene: NBEAL2 (neurobeachin like 2; plus strand). Cytogenetic location: 3p21.31.
Variant type: single nucleotide variant.
Coding change: c.5769G>A on transcript NM_015175.3 (MANE Select); coding-DNA position 5769, G replaced by A.
Protein change: p.Ser1923=; no amino-acid change (serine 1923 retained).
Molecular consequence: synonymous variant.
Genome position (GRCh38, 1-based): chr3:47,003,864, G>A. VCF-style: chr3-47003864-G-A. GRCh37 (hg19) VCF-style: chr3-47045354-G-A.
Other names: c.5667G>A, p.Ser1889= (NM_001365116.2).
Identifiers: ClinVar variation 345676 (VCV000345676.23), dbSNP rs200100160, ClinGen allele CA2361659.
Genomic context (GRCh38, chr3:47,003,864, plus strand): 5'-GCTGGTCTTTAGGATGGAGGCAGCAGAACTGGATGAGCAGCGTGAGAAGCTGGTGCTGTC[G>A]GCCGAGTGCCAGCTGGTGACGGTAGTGGCCGTGGTCCCAGGGCTGCTGGAGGTCACCACA-3'
Protein context (NP_055990.1, residues 1913-1933): LDEQREKLVL[Ser1923=]AECQLVTVVA

ClinVar aggregate classification (germline): Conflicting classifications of pathogenicity. Review status: criteria provided, conflicting classifications (1 of 4 stars). 6 submissions from 6 submitters: Uncertain significance (1); Likely benign (4). 1 of the submissions does not count toward it. Last evaluated 2025-12-13.

Conditions:
Gray platelet syndrome (GPS). Also called: BLEEDING DISORDER, PLATELET-TYPE, 4. Identifiers: Orphanet 721, MedGen C0272302, MONDO:0007686, OMIM 139090.
NBEAL2-related disorder. Also called: NBEAL2-related condition.

Allele frequency attached by ClinVar (database versions not stated): gnomAD 0.00045; TOPMed 0.00065; ESP Exome Variant Server 0.00100.
gnomAD v4.1: 893 of 1,613,206 alleles (0.055%); highest among the groups gnomAD compares: Admixed American, 0.09%; no homozygotes.

Submissions (6):

Labcorp Genetics (formerly Invitae), Labcorp
Classification: Likely benign. Last evaluated: 2025-12-13. Review status: criteria provided, single submitter. Criteria: Invitae Variant Classification Sherloc (09022015). Collection method: clinical testing. Allele origin: germline.

Women's Health and Genetics/Laboratory Corporation of America, LabCorp
Classification: Likely benign. Last evaluated: 2025-10-24. Review status: criteria provided, single submitter. Criteria: LabCorp Variant Classification Summary - May 2015. Collection method: clinical testing. Allele origin: germline.

CeGaT Center for Human Genetics Tuebingen
Classification: Likely benign. Last evaluated: 2025-06-01. Review status: criteria provided, single submitter. Criteria: CeGaT Center For Human Genetics Tuebingen Variant Classification Criteria Version 2. Collection method: clinical testing. Allele origin: germline. Affected: yes. Observed: 1 variant allele.
Comment: NBEAL2: BP4, BP7

Blueprint Genetics
Classification: Likely benign. Last evaluated: 2024-11-01. Review status: criteria provided, single submitter. Criteria: ACMG Guidelines, 2015. Collection method: clinical testing. Allele origin: germline.

Illumina Laboratory Services, Illumina
Classification: Uncertain significance for Gray platelet syndrome. Last evaluated: 2018-01-13. Review status: criteria provided, single submitter. Criteria: ICSL Variant Classification Criteria 13 December 2019. Collection method: clinical testing. Allele origin: germline.

PreventionGenetics, part of Exact Sciences
Classification: Likely benign for NBEAL2-related condition. Last evaluated: 2019-06-19. Review status: no assertion criteria provided. Collection method: clinical testing. Allele origin: germline. Not counted in ClinVar's aggregate classification.
Comment: This variant is classified as likely benign based on ACMG/AMP sequence variant interpretation guidelines (Richards et al. 2015 PMID: 25741868, with internal and published modifications).